The following is an entry in ClinVar:

ClinVar aggregate classification (germline): Uncertain significance (1 of 4 stars; one submission).

Conditions:
CUX1-related disorder. Also called: CUX1-related condition.

Submission:

PreventionGenetics, part of Exact Sciences
Classification: Uncertain significance for CUX1-related condition. Last evaluated: 2025-07-24. Review status: criteria provided, single submitter. Criteria: ACMG Guidelines, 2015. Collection method: clinical testing. Allele origin: germline.
Comment: The CUX1 c.3560T>C variant is predicted to result in the amino acid substitution p.Leu1187Pro. To our knowledge, this variant has not been reported in the literature or in a large population database (gnomAD), indicating this variant is rare. At this time, the clinical significance of this variant is uncertain due to the absence of conclusive functional and genetic evidence.

NM_181552.4(CUX1):c.3527T>C (p.Leu1176Pro)

Gene: CUX1 (cut like homeobox 1; plus strand). Cytogenetic location: 7q22.1.
Variant type: single nucleotide variant.
Coding change: c.3527T>C on transcript NM_181552.4 (MANE Select); coding-DNA position 3527, T replaced by C.
Protein change: p.Leu1176Pro; replaces leucine 1176 with proline.
Molecular consequence: missense variant. On other transcripts: intron variant (5).
Genome position (GRCh38, 1-based): chr7:102,234,145, T>C. VCF-style: chr7-102234145-T-C. GRCh37 (hg19) VCF-style: chr7-101877425-T-C.
Other names: c.3560T>C, p.Leu1187Pro (NM_001202543.2); c.1255+38542T>C (NM_001913.5); c.1249+38542T>C (NM_181500.4); c.1117+38542T>C (NM_001202545.3); c.1207+38542T>C (NM_001202544.3); c.1138+38542T>C (NM_001202546.3); short protein forms L1176P, L1187P.
Identifiers: ClinVar variation 4997367 (VCV004997367.1).
Genomic context (GRCh38, chr7:102,234,145, plus strand): 5'-TCACCCAAGGCTCTGTCTCTGACCTCCTTGCCCGCCCCAAACCCTGGCATAAGCTCAGTC[T>C]GAAAGGACGAGAGCCCTTCGTCCGGATGCAGCTGTGGCTGAACGACCCCAACAATGTGGA-3'
Protein context (NP_853530.2, residues 1166-1186): ARPKPWHKLS[Leu1176Pro]KGREPFVRMQ